The following is an entry in ClinVar:

ClinVar aggregate classification (germline): Uncertain significance (1 of 4 stars; one submission).

Submission:

GeneDx
Classification: Uncertain significance. Last evaluated: 2024-01-05. Review status: criteria provided, single submitter. Criteria: GeneDx Variant Classification Process June 2021. Collection method: clinical testing. Allele origin: germline. Affected: yes.
Comment: Not observed at significant frequency in large population cohorts (gnomAD); In silico analysis supports that this missense variant has a deleterious effect on protein structure/function; Has not been previously published as pathogenic or benign to our knowledge

NM_020442.6(VARS2):c.512G>A (p.Arg171Gln)

Gene: VARS2 (valyl-tRNA synthetase 2, mitochondrial; plus strand). Cytogenetic location: 6p21.33.
Variant type: single nucleotide variant.
Coding change: c.512G>A on transcript NM_020442.6 (MANE Select); coding-DNA position 512, G replaced by A.
Protein change: p.Arg171Gln; replaces arginine 171 with glutamine.
Molecular consequence: missense variant.
Genome position (GRCh38, 1-based): chr6:30,915,986, G>A. VCF-style: chr6-30915986-G-A. GRCh37 (hg19) VCF-style: chr6-30883763-G-A.
Other names: c.92G>A, p.Arg31Gln (NM_001167733.3); c.602G>A, p.Arg201Gln (NM_001167734.2); short protein forms R171Q, R201Q, R31Q.
Identifiers: ClinVar variation 3370100 (VCV003370100.1).